The following is an entry in ClinVar:

ClinVar aggregate classification (germline): Uncertain significance (1 of 4 stars; one submission).

Allele frequency attached by ClinVar (database versions not stated): gnomAD exomes 0.00003; TOPMed 0.00003; ExAC 0.00005; gnomAD 0.00005; ESP Exome Variant Server 0.00008; 1000 Genomes Project 30x 0.00016; 1000 Genomes Project 0.00020.
gnomAD v4.1: 49 of 1,614,222 alleles (0.003%); highest among the groups gnomAD compares: Admixed American, 0.0067%; no homozygotes.

Submission:

Labcorp Genetics (formerly Invitae), Labcorp
Classification: Uncertain significance. Last evaluated: 2022-06-17. Review status: criteria provided, single submitter. Criteria: Invitae Variant Classification Sherloc (09022015). Collection method: clinical testing. Allele origin: germline.
Comment: This sequence change replaces arginine, which is basic and polar, with cysteine, which is neutral and slightly polar, at codon 1091 of the ZNF335 protein (p.Arg1091Cys). This variant is present in population databases (rs146821427, gnomAD 0.009%). This variant has not been reported in the literature in individuals affected with ZNF335-related conditions. Algorithms developed to predict the effect of missense changes on protein structure and function (SIFT, PolyPhen-2, Align-GVGD) all suggest that this variant is likely to be disruptive. In summary, the available evidence is currently insufficient to determine the role of this variant in disease. Therefore, it has been classified as a Variant of Uncertain Significance.

NM_022095.4(ZNF335):c.3271C>T (p.Arg1091Cys)

Gene: ZNF335 (zinc finger protein 335; minus strand). Cytogenetic location: 20q13.12.
Variant type: single nucleotide variant.
Coding change: c.3271C>T on transcript NM_022095.4 (MANE Select); coding-DNA position 3271, C replaced by T.
Protein change: p.Arg1091Cys; replaces arginine 1091 with cysteine.
Molecular consequence: missense variant.
Genome position (GRCh38, 1-based): chr20:45,950,514, G>A on the plus strand (C>T on the coding strand, the complement: ZNF335 is on the minus strand). VCF-style: chr20-45950514-G-A. GRCh37 (hg19) VCF-style: chr20-44579153-G-A.
Other names: short protein forms R1091C.
Identifiers: ClinVar variation 2188602 (VCV002188602.1), dbSNP rs146821427, ClinGen allele CA9885096.